The following is an entry in ClinVar:

NM_000393.5(COL5A2):c.3407G>A (p.Arg1136Gln)

Gene: COL5A2 (collagen type V alpha 2 chain; minus strand). Cytogenetic location: 2q32.2.
Variant type: single nucleotide variant.
Coding change: c.3407G>A on transcript NM_000393.5 (MANE Select); coding-DNA position 3407, G replaced by A.
Protein change: p.Arg1136Gln; replaces arginine 1136 with glutamine.
Molecular consequence: missense variant.
Genome position (GRCh38, 1-based): chr2:189,043,215, C>T on the plus strand (G>A on the coding strand, the complement: COL5A2 is on the minus strand). VCF-style: chr2-189043215-C-T. GRCh37 (hg19) VCF-style: chr2-189907941-C-T.
Other names: p.R1136Q:CGA>CAA; p.Arg1136Gln; c.3407G>A (NM_000393.4); short protein forms R1136Q.
Identifiers: ClinVar variation 213119 (VCV000213119.19), dbSNP rs562950263, ClinGen allele CA320949.
Genomic context (GRCh38, chr2:189,043,215, plus strand): 5'-GGGCCAGGAAGACCCTGAAGACCAGTAAAGCCTCTGTGGCCCTTCTGACCTCTGTCACCT[C>T]GGTCTCCATGATCACCTTTGTCACCACGAGGTCCTTGGGGTCCCTAGAAATAGAGATATG-3'
Protein context (NP_000384.2, residues 1126-1146): PRGDKGDHGD[Arg1136Gln]GDRGQKGHRG

ClinVar aggregate classification (germline): Benign/Likely benign. Review status: criteria provided, multiple submitters, no conflicts (2 of 4 stars). 6 submissions from 6 submitters: Benign (1); Likely benign (5). Last evaluated 2026-01-18.

Conditions:
COL5A2-related disorder. Also called: COL5A2-related condition.
Ehlers-Danlos syndrome, classic type, 1 (EDSCL1). Also called: Ehlers-Danlos syndrome, type 1; Ehlers-Danlos Syndrome, Classic Type, COL5A1-Related; EDS I; EHLERS-DANLOS SYNDROME, GRAVIS TYPE; EHLERS-DANLOS SYNDROME, SEVERE CLASSIC TYPE. Identifiers: MedGen C0268335, MONDO:0019567, OMIM 130000.
Familial thoracic aortic aneurysm and aortic dissection (TAAD). Also called: Thoracic aortic aneurysms and dissections. Identifiers: Orphanet 91387, MedGen C4707243, MONDO:0019625.

Allele frequency attached by ClinVar (database versions not stated): TOPMed 0.00004; 1000 Genomes Project 0.00020; 1000 Genomes Project 30x 0.00031.
gnomAD v4.1: 220 of 1,613,890 alleles (0.014%); highest among the groups gnomAD compares: South Asian, 0.17%; 2 homozygotes.

Submissions (6):

Labcorp Genetics (formerly Invitae), Labcorp
Classification: Likely benign for Ehlers-Danlos syndrome, classic type, 1. Last evaluated: 2026-01-18. Review status: criteria provided, single submitter. Criteria: Invitae Variant Classification Sherloc (09022015). Collection method: clinical testing. Allele origin: germline.

Mayo Clinic Laboratories, Mayo Clinic
Classification: Likely benign. Last evaluated: 2025-09-16. Review status: criteria provided, single submitter. Criteria: ACMG Guidelines, 2015. Collection method: clinical testing. Allele origin: germline. Observed: 1 variant allele.
Comment: BS1

Women's Health and Genetics/Laboratory Corporation of America, LabCorp
Classification: Likely benign. Last evaluated: 2025-07-16. Review status: criteria provided, single submitter. Criteria: LabCorp Variant Classification Summary - May 2015. Collection method: clinical testing. Allele origin: germline.

Ambry Genetics
Classification: Benign for Familial thoracic aortic aneurysm and aortic dissection. Last evaluated: 2025-07-10. Review status: criteria provided, single submitter. Criteria: Ambry Variant Classification Scheme 2023. Collection method: clinical testing. Allele origin: germline.

PreventionGenetics, part of Exact Sciences
Classification: Likely benign for COL5A2-related condition. Last evaluated: 2024-11-26. Review status: criteria provided, single submitter. Criteria: ACMG Guidelines, 2015. Collection method: clinical testing. Allele origin: germline.
Comment: This variant is classified as likely benign based on ACMG/AMP sequence variant interpretation guidelines (Richards et al. 2015 PMID: 25741868, with internal and published modifications).

GeneDx
Classification: Likely benign. Last evaluated: 2020-10-27. Review status: criteria provided, single submitter. Criteria: GeneDx Variant Classification Process June 2021. Collection method: clinical testing. Allele origin: germline. Affected: yes.